The following is an entry in ClinVar:

NM_000548.5(TSC2):c.4951A>C (p.Asn1651His)

Gene: TSC2 (TSC complex subunit 2; plus strand). Cytogenetic location: 16p13.3.
Variant type: single nucleotide variant.
Coding change: c.4951A>C on transcript NM_000548.5 (MANE Select); coding-DNA position 4951, A replaced by C.
Protein change: p.Asn1651His; replaces asparagine 1651 with histidine.
Molecular consequence: missense variant.
Genome position (GRCh38, 1-based): chr16:2,086,833, A>C. VCF-style: chr16-2086833-A-C. GRCh37 (hg19) VCF-style: chr16-2136834-A-C.
Other names: c.4351A>C, p.Asn1451His (NM_001406680.1); c.4291A>C, p.Asn1431His (NM_001406681.1); c.4282A>C, p.Asn1428His (NM_001406682.1, NM_001406683.1); c.4279A>C, p.Asn1427His (NM_001406684.1); c.4153A>C, p.Asn1385His (NM_001406685.1, NM_001406686.1); c.4150A>C, p.Asn1384His (NM_001406687.1, NM_001406688.1); c.3538A>C, p.Asn1180His (NM_001406689.1); c.4750A>C, p.Asn1584His (NM_001077183.3); and 26 more; short protein forms N1137H, N1159H, N1427H, N1578H, N1584H, N1607H, N1136H, N1180H.
Identifiers: ClinVar variation 2032747 (VCV002032747.4), dbSNP rs2090865014, ClinGen allele CA394308836.

ClinVar aggregate classification (germline): Likely pathogenic (1 of 4 stars; one submission).

Conditions:
Tuberous sclerosis 2 (TSC2). Identifiers: Orphanet 805, MedGen C1860707, MONDO:0013199, OMIM 613254.

Submission:

Labcorp Genetics (formerly Invitae), Labcorp
Classification: Likely pathogenic for Tuberous sclerosis 2. Last evaluated: 2022-09-27. Review status: criteria provided, single submitter. Criteria: Invitae Variant Classification Sherloc (09022015). Collection method: clinical testing. Allele origin: germline.
Comment: This variant is not present in population databases (gnomAD no frequency). In summary, the currently available evidence indicates that the variant is pathogenic, but additional data are needed to prove that conclusively. Therefore, this variant has been classified as Likely Pathogenic. This variant disrupts the p.Asn1651 amino acid residue in TSC2. Other variant(s) that disrupt this residue have been determined to be pathogenic (PMID: 9302281, 12111193, 15024740). This suggests that this residue is clinically significant, and that variants that disrupt this residue are likely to be disease-causing. Advanced modeling of protein sequence and biophysical properties (such as structural, functional, and spatial information, amino acid conservation, physicochemical variation, residue mobility, and thermodynamic stability) has been performed at Invitae for this missense variant, however the output from this modeling did not meet the statistical confidence thresholds required to predict the impact of this variant on TSC2 protein function. This missense change has been observed in individual(s) with tuberous sclerosis (PMID: 21520333). In at least one individual the variant was observed to be de novo. This sequence change replaces asparagine, which is neutral and polar, with histidine, which is basic and polar, at codon 1651 of the TSC2 protein (p.Asn1651His).

Literature cited by the submitters: PubMed 9302281; PubMed 12111193; PubMed 15024740; PubMed 21520333.